The following is an entry in ClinVar:

NM_002693.3(POLG):c.2914C>T (p.Arg972Trp)

Gene: POLG (DNA polymerase gamma, catalytic subunit; minus strand). Cytogenetic location: 15q26.1.
Variant type: single nucleotide variant.
Coding change: c.2914C>T on transcript NM_002693.3 (MANE Select); coding-DNA position 2914, C replaced by T.
Protein change: p.Arg972Trp; replaces arginine 972 with tryptophan.
Molecular consequence: missense variant.
Genome position (GRCh38, 1-based): chr15:89,320,833, G>A on the plus strand (C>T on the coding strand, the complement: POLG is on the minus strand). VCF-style: chr15-89320833-G-A. GRCh37 (hg19) VCF-style: chr15-89864064-G-A.
Other names: p.R972W:CGG>TGG; c.2914C>T, p.Arg972Trp (NM_001126131.2); short protein forms R972W.
Identifiers: ClinVar variation 206539 (VCV000206539.44), dbSNP rs762972003, ClinGen allele CA316723.

ClinVar aggregate classification (germline): Uncertain significance. Review status: criteria provided, multiple submitters, no conflicts (2 of 4 stars). 4 submissions from 4 submitters: Uncertain significance (4). Last evaluated 2026-08-06.

Conditions:
POLG-related disorder. Also called: POLG-Related Spectrum Disorders; POLG-related condition; POLG-Related Disorders. Identifiers: MedGen C4763519.
Progressive sclerosing poliodystrophy (MTDPS4A). Also called: Mitochondrial DNA depletion syndrome 4A (Alpers type); Mitochondrial DNA Depletion Syndrome 4A; ALPERS PROGRESSIVE INFANTILE POLIODYSTROPHY; Alpers-Huttenlocher Syndrome; Alpers Syndrome; ALPERS DIFFUSE DEGENERATION OF CEREBRAL GRAY MATTER WITH HEPATIC CIRRHOSIS. Identifiers: Orphanet 726, MedGen C0205710, MONDO:0008758, OMIM 203700.

Allele frequency attached by ClinVar (database versions not stated): gnomAD 0.00003; TOPMed 0.00003.

Submissions (4):

PreventionGenetics, part of Exact Sciences
Classification: Uncertain significance for POLG-related condition. Last evaluated: 2026-08-06. Review status: criteria provided, single submitter. Criteria: ACMG Guidelines, 2015. Collection method: clinical testing. Allele origin: germline.
Comment: The POLG c.2914C>T variant is predicted to result in the amino acid substitution p.Arg972Trp. To our knowledge, this variant has not been reported in the literature. This variant is reported in 0.0033% of alleles in individuals of South Asian descent in gnomAD. At this time, the clinical significance of this variant is uncertain due to the absence of conclusive functional and genetic evidence.

CeGaT Center for Human Genetics Tuebingen
Classification: Uncertain significance. Last evaluated: 2025-05-01. Review status: criteria provided, single submitter. Criteria: CeGaT Center For Human Genetics Tuebingen Variant Classification Criteria Version 2. Collection method: clinical testing. Allele origin: germline. Affected: yes. Observed: 3 variant alleles.

Labcorp Genetics (formerly Invitae), Labcorp
Classification: Uncertain significance for Progressive sclerosing poliodystrophy. Last evaluated: 2024-10-15. Review status: criteria provided, single submitter. Criteria: Invitae Variant Classification Sherloc (09022015). Collection method: clinical testing. Allele origin: germline.
Comment: This sequence change replaces arginine, which is basic and polar, with tryptophan, which is neutral and slightly polar, at codon 972 of the POLG protein (p.Arg972Trp). This variant is present in population databases (rs762972003, gnomAD 0.003%). This variant has not been reported in the literature in individuals affected with POLG-related conditions. ClinVar contains an entry for this variant (Variation ID: 206539). Invitae Evidence Modeling of protein sequence and biophysical properties (such as structural, functional, and spatial information, amino acid conservation, physicochemical variation, residue mobility, and thermodynamic stability) indicates that this missense variant is expected to disrupt POLG protein function with a positive predictive value of 95%. In summary, the available evidence is currently insufficient to determine the role of this variant in disease. Therefore, it has been classified as a Variant of Uncertain Significance.

GeneDx
Classification: Uncertain significance. Last evaluated: 2022-01-06. Review status: criteria provided, single submitter. Criteria: GeneDx Variant Classification Process June 2021. Collection method: clinical testing. Allele origin: germline. Affected: yes.
Comment: Not observed at significant frequency in large population cohorts (gnomAD); In silico analysis supports that this missense variant has a deleterious effect on protein structure/function; Has not been previously published as pathogenic or benign to our knowledge